The following is an entry in ClinVar:

ClinVar aggregate classification (germline): Uncertain significance (1 of 4 stars; one submission).

Conditions:
Desbuquois dysplasia 1 (DBQD1). Also called: MICROMELIC DWARFISM WITH VERTEBRAL AND METAPHYSEAL ABNORMALITIES AND ADVANCED CARPOTARSAL OSSIFICATION; DESBUQUOIS DYSPLASIA 1, KIM VARIANT. Identifiers: Orphanet 1425, MedGen C4012146, MONDO:0009629, OMIM 251450.

gnomAD v4.1: 1 of 1,505,814 alleles (0.000066%); highest among the groups gnomAD compares: Admixed American, 0.0021%; no homozygotes.

Submission:

Labcorp Genetics (formerly Invitae), Labcorp
Classification: Uncertain significance for Desbuquois dysplasia 1. Last evaluated: 2023-05-01. Review status: criteria provided, single submitter. Criteria: Invitae Variant Classification Sherloc (09022015). Collection method: clinical testing. Allele origin: germline.
Comment: In summary, the available evidence is currently insufficient to determine the role of this variant in disease. Therefore, it has been classified as a Variant of Uncertain Significance. An algorithm developed to predict the effect of missense changes on protein structure and function (PolyPhen-2) suggests that this variant¬† is likely to be tolerated. ClinVar contains an entry for this variant (Variation ID: 1407331). This variant has not been reported in the literature in individuals affected with XYLT1-related conditions. This variant is present in population databases (no rsID available, gnomAD 0.009%). This sequence change replaces glutamic acid, which is acidic and polar, with lysine, which is basic and polar, at codon 854 of the XYLT1 protein (p.Glu854Lys).

NM_022166.4(XYLT1):c.2560G>A (p.Glu854Lys)

Gene: XYLT1 (xylosyltransferase 1; minus strand). Cytogenetic location: 16p12.3.
Variant type: single nucleotide variant.
Coding change: c.2560G>A on transcript NM_022166.4 (MANE Select); coding-DNA position 2560, G replaced by A.
Protein change: p.Glu854Lys; replaces glutamic acid 854 with lysine.
Molecular consequence: missense variant.
Genome position (GRCh38, 1-based): chr16:17,109,015, C>T on the plus strand (G>A on the coding strand, the complement: XYLT1 is on the minus strand). VCF-style: chr16-17109015-C-T. GRCh37 (hg19) VCF-style: chr16-17202872-C-T.
Other names: short protein forms E854K.
Identifiers: ClinVar variation 1407331 (VCV001407331.6), dbSNP rs769391314, ClinGen allele CA279077848.